The following is an entry in ClinVar:

ClinVar aggregate classification (germline): Pathogenic (1 of 4 stars; one submission).

Conditions:
Combined malonic and methylmalonic acidemia. Identifiers: Orphanet 289504, MedGen C3280314, MONDO:0013661, OMIM 614265.

Submission:

Labcorp Genetics (formerly Invitae), Labcorp
Classification: Pathogenic for Combined malonic and methylmalonic acidemia. Last evaluated: 2023-10-13. Review status: criteria provided, single submitter. Criteria: Invitae Variant Classification Sherloc (09022015). Collection method: clinical testing. Allele origin: germline.
Comment: This sequence change creates a premature translational stop signal (p.Gln80Argfs*38) in the ACSF3 gene. It is expected to result in an absent or disrupted protein product. Loss-of-function variants in ACSF3 are known to be pathogenic (PMID: 21841779, 26827111). This variant is not present in population databases (gnomAD no frequency). This variant has not been reported in the literature in individuals affected with ACSF3-related conditions. For these reasons, this variant has been classified as Pathogenic.

Literature cited by the submitters: PubMed 21841779; PubMed 26827111.

NM_001243279.3(ACSF3):c.238del (p.Gln80fs)

Gene: ACSF3 (acyl-CoA synthetase family member 3; plus strand). Cytogenetic location: 16q24.3.
Variant type: Deletion.
Coding change: c.238del on transcript NM_001243279.3 (MANE Select); coding-DNA position 238, one base deleted (C; older notation c.238delC).
Protein change: p.Gln80fs; shifts the reading frame from glutamine 80.
Molecular consequence: frameshift variant. On other transcripts: non-coding transcript variant (3), intron variant (1).
Genome position (GRCh38, 1-based): chr16:89,100,919, C deleted; the last of 3 consecutive C bases (chr16:89,100,917-89,100,919); deleting any one gives the same sequence. VCF-style (leftmost placement, unchanged base first): chr16-89100916-TC-T. GRCh37 (hg19) VCF-style: chr16-89167324-TC-T.
Other names: c.238del, p.Gln80fs (NM_001127214.4, NM_174917.5); c.-129-1685del (NM_001284316.2); short protein forms Q80fs.
Identifiers: ClinVar variation 2768031 (VCV002768031.3), dbSNP rs2543520799, ClinGen allele CA2697555994.